The following is an entry in ClinVar:

ClinVar aggregate classification (germline): Benign. Review status: criteria provided, multiple submitters, no conflicts (2 of 4 stars). 3 submissions from 3 submitters: Benign (3). Last evaluated 2024-01-24.

Allele frequency attached by ClinVar (database versions not stated): TOPMed 0.38230; 1000 Genomes Project 0.42532; 1000 Genomes Project 30x 0.42380.
gnomAD v4.1: 395,115 of 1,054,584 alleles (37%); highest among the groups gnomAD compares: Admixed American, 53%; 76,994 homozygotes.

Submissions (3):

Unidad de Genómica Garrahan, Hospital de Pediatría Garrahan
Classification: Benign. Last evaluated: 2024-01-24. Review status: criteria provided, single submitter. Criteria: ACMG Guidelines, 2015. Collection method: clinical testing. Allele origin: germline. Affected: no. Observed: 30 variant alleles.
Comment: This variant is classified as Benign based on local population frequency. This variant was detected in 32% of patients studied by a panel of primary immunodeficiencies. Number of patients: 30. Only high quality variants are reported.

GeneDx
Classification: Benign. Last evaluated: 2018-11-12. Review status: criteria provided, single submitter. Criteria: GeneDx Variant Classification Process June 2021. Collection method: clinical testing. Allele origin: germline. Affected: yes.

Breakthrough Genomics
Classification: Benign. Review status: criteria provided, single submitter. Criteria: ACMG Guidelines, 2015. Collection method: not provided. Allele origin: germline. Inheritance: Autosomal recessive inheritance. Affected: yes.

NM_015932.6(POMP):c.102-70T>C

Gene: POMP (proteasome maturation protein; plus strand). Cytogenetic location: 13q12.3.
Variant type: single nucleotide variant.
Coding change: c.102-70T>C on transcript NM_015932.6 (MANE Select); 70 bases into the intron before coding-DNA position 102, T replaced by C.
Molecular consequence: intron variant.
Genome position (GRCh38, 1-based): chr13:28,664,439, T>C. VCF-style: chr13-28664439-T-C. GRCh37 (hg19) VCF-style: chr13-29238576-T-C.
Identifiers: ClinVar variation 1241797 (VCV001241797.5), dbSNP rs3737528, ClinGen allele CA15779170.